The following is an entry in ClinVar:

ClinVar aggregate classification (germline): Benign (1 of 4 stars; one submission).

Allele frequency attached by ClinVar (database versions not stated): 1000 Genomes Project 30x 0.45019; 1000 Genomes Project 0.46006; TOPMed 0.46113.
gnomAD v4.1: 73,977 of 152,078 alleles (49%); highest among the groups gnomAD compares: East Asian, 59%; 19,360 homozygotes.

Submission:

GeneDx
Classification: Benign. Last evaluated: 2018-06-14. Review status: criteria provided, single submitter. Criteria: GeneDx Variant Classification (06012015). Collection method: clinical testing. Allele origin: germline. Affected: yes.
Comment: This variant is considered likely benign or benign based on one or more of the following criteria: it is a conservative change, it occurs at a poorly conserved position in the protein, it is predicted to be benign by multiple in silico algorithms, and/or has population frequency not consistent with disease.

NM_002397.5(MEF2C):c.403-211A>G

Gene: MEF2C (myocyte enhancer factor 2C; minus strand). Cytogenetic location: 5q14.3.
Variant type: single nucleotide variant.
Coding change: c.403-211A>G on transcript NM_002397.5 (MANE Select); 211 bases into the intron before coding-DNA position 403, A replaced by G.
Molecular consequence: intron variant.
Genome position (GRCh38, 1-based): chr5:88,752,254, T>C on the plus strand (A>G on the coding strand, the complement: MEF2C is on the minus strand). VCF-style: chr5-88752254-T-C. GRCh37 (hg19) VCF-style: chr5-88048071-T-C.
Other names: c.403-211A>G (NM_001364329.2, NM_001364330.2, NM_001364333.2 and 18 more transcripts); c.259-211A>G (NM_001364344.2, NM_001364354.2, NM_001364332.2 and 3 more transcripts); c.25-211A>G (NM_001364353.2, NM_001364356.2); c.397-211A>G (NM_001131005.2, NM_001364352.2, NM_001364343.2); c.457-211A>G (NM_001193347.1, NM_001364338.2); c.-24-211A>G (NM_001364357.2).
Identifiers: ClinVar variation 683155 (VCV000683155.1), dbSNP rs647983, ClinGen allele CA12057018.
Genomic context (GRCh38, chr5:88,752,254, plus strand): 5'-CAGATCATAAATTGATTTCTTAAATGTGCTTAGAACTCCTTCTTTGCAACCATTAAAAAA[T>C]GTTTCACTTTTGTTTAAAACAAAGCCCCATTTCATTAGACTCCATTGTCTTTGGATTCCA-3'